The following is an entry in ClinVar:

NM_000051.4(ATM):c.6717G>A (p.Met2239Ile)

Genes: ATM (ATM serine/threonine kinase; plus strand), C11orf65 (chromosome 11 open reading frame 65; minus strand). Cytogenetic location: 11q22.3.
Variant type: single nucleotide variant.
Coding change: c.6717G>A on transcript NM_000051.4 (MANE Select); coding-DNA position 6717, G replaced by A.
Protein change: p.Met2239Ile; replaces methionine 2239 with isoleucine.
Molecular consequence: missense variant. On other transcripts: intron variant (2).
Genome position (GRCh38, 1-based): chr11:108,325,454, G>A. VCF-style: chr11-108325454-G-A. GRCh37 (hg19) VCF-style: chr11-108196181-G-A.
Other names: c.6717G>A, p.Met2239Ile (NM_001351834.2); c.641-16383C>T (NM_001330368.2); c.*38+9766C>T (NM_001351110.2); short protein forms M2239I.
Identifiers: ClinVar variation 1374867 (VCV001374867.7), dbSNP rs1555119181, ClinGen allele CA382555040.

ClinVar aggregate classification (germline): Uncertain significance (1 of 4 stars; one submission).

Conditions:
Ataxia-telangiectasia syndrome (AT). Also called: Ataxia-telangiectasia; LOUIS-BAR SYNDROME; Ataxia-telangiectasia, complementation group D; AT, COMPLEMENTATION GROUP C; ATAXIA-TELANGIECTASIA, COMPLEMENTATION GROUP A; ATAXIA-TELANGIECTASIA, FRESNO VARIANT. Identifiers: Orphanet 100, MedGen C0004135, MONDO:0008840, OMIM 208900.

Submission:

Labcorp Genetics (formerly Invitae), Labcorp
Classification: Uncertain significance for Ataxia-telangiectasia syndrome. Last evaluated: 2021-08-16. Review status: criteria provided, single submitter. Criteria: Invitae Variant Classification Sherloc (09022015). Collection method: clinical testing. Allele origin: germline.
Comment: This variant has not been reported in the literature in individuals affected with ATM-related conditions. Advanced modeling of protein sequence and biophysical properties (such as structural, functional, and spatial information, amino acid conservation, physicochemical variation, residue mobility, and thermodynamic stability) performed at Invitae indicates that this missense variant is not expected to disrupt ATM protein function. In summary, the available evidence is currently insufficient to determine the role of this variant in disease. Therefore, it has been classified as a Variant of Uncertain Significance. This variant is not present in population databases (ExAC no frequency). This sequence change replaces methionine with isoleucine at codon 2239 of the ATM protein (p.Met2239Ile). The methionine residue is weakly conserved and there is a small physicochemical difference between methionine and isoleucine.